The following is an entry in ClinVar:

ClinVar aggregate classification (germline): Uncertain significance (1 of 4 stars; one submission).

Conditions:
Alpha-methylacyl-CoA racemase deficiency (AMACRD). Also called: AMACR deficiency. Identifiers: Orphanet 79095, MedGen C3280428, MONDO:0013681, OMIM 614307. Disease mechanism: loss of function.

Allele frequency attached by ClinVar (database versions not stated): TOPMed below 0.00001; ExAC 0.00001.

Submission:

Labcorp Genetics (formerly Invitae), Labcorp
Classification: Uncertain significance for Alpha-methylacyl-CoA racemase deficiency. Last evaluated: 2022-04-06. Review status: criteria provided, single submitter. Criteria: Invitae Variant Classification Sherloc (09022015). Collection method: clinical testing. Allele origin: germline.
Comment: In summary, the available evidence is currently insufficient to determine the role of this variant in disease. Therefore, it has been classified as a Variant of Uncertain Significance. Algorithms developed to predict the effect of missense changes on protein structure and function (SIFT, PolyPhen-2, Align-GVGD) all suggest that this variant is likely to be disruptive. This variant has not been reported in the literature in individuals affected with AMACR-related conditions. This variant is present in population databases (rs757775308, gnomAD 0.0009%). This sequence change replaces glutamic acid, which is acidic and polar, with aspartic acid, which is acidic and polar, at codon 282 of the AMACR protein (p.Glu282Asp).

NM_014324.6(AMACR):c.846G>T (p.Glu282Asp)

Genes: C1QTNF3-AMACR (C1QTNF3-AMACR readthrough (NMD candidate); minus strand), AMACR (alpha-methylacyl-CoA racemase; minus strand). Cytogenetic location: 5p13.2.
Variant type: single nucleotide variant.
Coding change: c.846G>T on transcript NM_014324.6 (MANE Select); coding-DNA position 846, G replaced by T.
Protein change: p.Glu282Asp; replaces glutamic acid 282 with aspartic acid.
Molecular consequence: missense variant. On other transcripts: non-coding transcript variant (1), 3 prime UTR variant (1).
Genome position (GRCh38, 1-based): chr5:33,989,396, C>A on the plus strand (G>T on the coding strand, the complement: AMACR is on the minus strand). VCF-style: chr5-33989396-C-A. GRCh37 (hg19) VCF-style: chr5-33989501-C-A.
Other names: c.846G>T, p.Glu282Asp (NM_001167595.2); c.*88G>T (NM_203382.3); short protein forms E282D.
Identifiers: ClinVar variation 1973565 (VCV001973565.5), dbSNP rs757775308, ClinGen allele CA3226008.